The following is an entry in ClinVar:

ClinVar aggregate classification (germline): Benign/Likely benign. Review status: criteria provided, multiple submitters, no conflicts (2 of 4 stars). 2 submissions from 2 submitters: Benign (1); Likely benign (1). Last evaluated 2019-02-09.

Conditions:
Cutis laxa. Identifiers: Orphanet 209, MedGen C0010495, MONDO:0016175, HP:0000973.

Allele frequency attached by ClinVar (database versions not stated): 1000 Genomes Project 0.00359; 1000 Genomes Project 30x 0.00375; ExAC 0.00733; gnomAD 0.00001; TOPMed 0.00012.
gnomAD v4.1: 2,034 of 1,565,906 alleles (0.13%); highest among the groups gnomAD compares: South Asian, 2.3%; 47 homozygotes.

Submissions (2):

GeneDx
Classification: Likely benign. Last evaluated: 2019-02-09. Review status: criteria provided, single submitter. Criteria: GeneDx Variant Classification Process June 2021. Collection method: clinical testing. Allele origin: germline. Affected: yes.

Illumina Laboratory Services, Illumina
Classification: Benign for Cutis laxa. Last evaluated: 2018-01-13. Review status: criteria provided, single submitter. Criteria: ICSL Variant Classification Criteria 13 December 2019. Collection method: clinical testing. Allele origin: germline.
Comment: This variant was observed in the ICSL laboratory as part of a predisposition screen in an ostensibly healthy population. It had not been previously curated by ICSL or reported in the Human Gene Mutation Database (HGMD: prior to June 1st, 2018), and was therefore a candidate for classification through an automated scoring system. Utilizing variant allele frequency, disease prevalence and penetrance estimates, and inheritance mode, an automated score was calculated to assess if this variant is too frequent to cause the disease. Based on the score and internal cut-off values, a variant classified as benign is not then subjected to further curation. The score for this variant resulted in a classification of benign for this disease.

NM_006907.4(PYCR1):c.-62G>A

Gene: PYCR1 (pyrroline-5-carboxylate reductase 1; minus strand). Cytogenetic location: 17q25.3.
Variant type: single nucleotide variant.
Coding change: c.-62G>A on transcript NM_006907.4 (MANE Select); 62 bases upstream of the start codon, G replaced by A.
Molecular consequence: 5 prime UTR variant. On other transcripts: intron variant (4).
Genome position (GRCh38, 1-based): chr17:81,936,876, C>T on the plus strand (G>A on the coding strand, the complement: PYCR1 is on the minus strand). VCF-style: chr17-81936876-C-T. GRCh37 (hg19) VCF-style: chr17-79894752-C-T.
Other names: c.-62G>A (NM_153824.3); c.-47-15G>A (NM_001282279.2, NM_001330523.2, NM_001282280.2); c.35-15G>A (NM_001282281.2).
Identifiers: ClinVar variation 325921 (VCV000325921.7), dbSNP rs573221309, ClinGen allele CA8845631.